The following is an entry in ClinVar:

ClinVar aggregate classification (germline): Uncertain significance (1 of 4 stars; one submission).

Conditions:
Papillary renal cell carcinoma type 1 (RCCP1). Also called: Renal adenocarcinoma; Renal cell carcinoma 1; Renal cell carcinoma, somatic; RENAL CELL CARCINOMA, PAPILLARY, 1, SOMATIC. Identifiers: Orphanet 47044, MedGen C1336839, OMIM 605074, HP:0011797.

Submission:

Labcorp Genetics (formerly Invitae), Labcorp
Classification: Uncertain significance for Renal cell carcinoma. Last evaluated: 2015-09-03. Review status: criteria provided, single submitter. Criteria: Invitae Variant Classification Sherloc (09022015). Collection method: clinical testing. Allele origin: germline.
Comment: This sequence change is a gross duplication of the genomic region encompassing exon 2 of the MET gene. This duplication extends beyond both edges of the assayed region, but the 5' and 3' boundaries of this event are not known and the precise location of this duplication cannot be determined by this assay. This duplication may be in tandem with the MET gene or it may be located elsewhere in the genome. To our knowledge, this particular duplication has not been reported previously, although a similar duplication encompassing exons 1 and 2 of the MET gene was observed in a patient with idiopathic autism and the unaffected mother (PMID: 23375656). The clinical significance of this observation remains uncertain. In summary, this is a duplication involving the first coding exon of the MET gene. However, the genomic location and orientation of the duplicated sequence is unknown. For these reasons, this change has been classified as a Variant of Uncertain Significance.

NM_001127500.2(MET):c.(?_-1)_1200+?dup

Gene: MET (MET proto-oncogene, receptor tyrosine kinase; plus strand). Cytogenetic location: 7q31.2.
Variant type: Duplication.
Other names: c.(?_-1)_1200+?dup (LRG_662t1).
Identifiers: ClinVar variation 220130 (VCV000220130.1).